The following is an entry in ClinVar:

NM_004168.4(SDHA):c.287C>T (p.Thr96Ile)

Gene: SDHA (succinate dehydrogenase complex flavoprotein subunit A; plus strand). Cytogenetic location: 5p15.33.
Variant type: single nucleotide variant.
Coding change: c.287C>T on transcript NM_004168.4 (MANE Select); coding-DNA position 287, C replaced by T.
Protein change: p.Thr96Ile; replaces threonine 96 with isoleucine.
Molecular consequence: missense variant.
Genome position (GRCh38, 1-based): chr5:224,496, C>T. VCF-style: chr5-224496-C-T. GRCh37 (hg19) VCF-style: chr5-224611-C-T.
Other names: c.287C>T, p.Thr96Ile (NM_001294332.2, NM_001330758.2); short protein forms T96I.
Identifiers: ClinVar variation 239666 (VCV000239666.26), dbSNP rs377620054, ClinGen allele CA3172761.

ClinVar aggregate classification (germline): Uncertain significance. Review status: criteria provided, multiple submitters, no conflicts (2 of 4 stars). 11 submissions from 11 submitters: Uncertain significance (10). 1 of the submissions does not count toward it. Last evaluated 2026-01-15.

Conditions:
B-lymphoblastic leukemia/lymphoma with hypodiploidy. Identifiers: Orphanet 585942, MedGen C2698312, MONDO:0035944.
Hereditary cancer-predisposing syndrome. Also called: Hereditary Cancer Syndrome; Hereditary neoplastic syndrome; Neoplastic Syndromes, Hereditary; Tumor predisposition. Identifiers: Orphanet 140162, MedGen C0027672, MeSH D009386, MONDO:0015356.
Mitochondrial complex II deficiency, nuclear type 1. Also called: SUCCINATE CoQ REDUCTASE DEFICIENCY. Identifiers: Orphanet 3208, MedGen C5700310, MONDO:0100294, OMIM 252011.
Pheochromocytoma/paraganglioma syndrome 5. Also called: Paragangliomas 5; SDHA-Related Hereditary Paraganglioma-Pheochromocytoma Syndrome. Identifiers: Orphanet 29072, MedGen C3279992, MONDO:0013602, OMIM 614165.
Dilated cardiomyopathy 1GG (CMD1GG). Identifiers: Orphanet 154, MedGen C3150898, MONDO:0013339, OMIM 613642.

Allele frequency attached by ClinVar (database versions not stated): gnomAD exomes below 0.00001 and 0.00003; ExAC 0.00001; TOPMed 0.00004; gnomAD 0.00005 and 0.00006; ESP Exome Variant Server 0.00008.
gnomAD v4.1: 56 of 1,612,784 alleles (0.0035%); highest among the groups gnomAD compares: Non-Finnish European, 0.0047%; no homozygotes.

Submissions (11):

Labcorp Genetics (formerly Invitae), Labcorp
Classification: Uncertain significance for Pheochromocytoma/paraganglioma syndrome 5; Mitochondrial complex II deficiency, nuclear type 1. Last evaluated: 2026-01-15. Review status: criteria provided, single submitter. Criteria: Invitae Variant Classification Sherloc (09022015). Collection method: clinical testing. Allele origin: germline.
Comment: This sequence change replaces threonine, which is neutral and polar, with isoleucine, which is neutral and non-polar, at codon 96 of the SDHA protein (p.Thr96Ile). This variant is present in population databases (rs377620054, gnomAD 0.004%). This missense change has been observed in individual(s) with personal and/or family history of HPPGL-related cancers (PMID: 38473309). ClinVar contains an entry for this variant (Variation ID: 239666). Invitae Evidence Modeling of protein sequence and biophysical properties (such as structural, functional, and spatial information, amino acid conservation, physicochemical variation, residue mobility, and thermodynamic stability) indicates that this missense variant is not expected to disrupt SDHA protein function with a negative predictive value of 95%. In summary, the available evidence is currently insufficient to determine the role of this variant in disease. Therefore, it has been classified as a Variant of Uncertain Significance.

Women's Health and Genetics/Laboratory Corporation of America, LabCorp
Classification: Uncertain significance. Last evaluated: 2025-09-12. Review status: criteria provided, single submitter. Criteria: LabCorp Variant Classification Summary - May 2015. Collection method: clinical testing. Allele origin: germline.
Comment: Variant summary: SDHA c.287C>T (p.Thr96Ile) results in a non-conservative amino acid change in the encoded protein sequence. Algorithms developed to predict the effect of missense changes on protein structure and function all suggest that this variant is likely to be disruptive. The variant allele was found at a frequency of 4e-06 in 251148 control chromosomes. The available data on variant occurrences in the general population are insufficient to allow any conclusion about variant significance. c.287C>T has been observed in individual(s) affected with Cardiomyopathy (Sadasivan_2025). These report(s) do not provide unequivocal conclusions about association of the variant with SDHA-Related Disorders. At least one publication reports experimental evidence evaluating an impact on protein function. These results showed no damaging effect of this variant (Kent_2024). The following publications have been ascertained in the context of this evaluation (PMID: 39321216, 39740200). ClinVar contains an entry for this variant (Variation ID: 239666). Based on the evidence outlined above, the variant was classified as uncertain significance.

Ambry Genetics
Classification: Uncertain significance for Hereditary cancer-predisposing syndrome. Last evaluated: 2025-07-21. Review status: criteria provided, single submitter. Criteria: Ambry Variant Classification Scheme 2023. Collection method: clinical testing. Allele origin: germline.
Comment: The p.T96I variant (also known as c.287C>T), located in coding exon 3 of the SDHA gene, results from a C to T substitution at nucleotide position 287. The threonine at codon 96 is replaced by isoleucine, an amino acid with similar properties. This amino acid position is highly conserved in available vertebrate species. In addition, the in silico prediction for this alteration is inconclusive. Based on the available evidence, the clinical significance of this variant remains unclear.

Quest Diagnostics Nichols Institute San Juan Capistrano
Classification: Uncertain significance. Last evaluated: 2024-06-19. Review status: criteria provided, single submitter. Criteria: Quest Diagnostics criteria. Collection method: clinical testing. Allele origin: unknown.
Comment: The SDHA c.287C>T (p.Thr96Ile) variant has been briefly reported in the published literature in individuals with diverse tumors/cancers (PMID: 38473309 (2024)), but not specifically paraganglioma-pheochromocytoma (PGL-PCC) syndrome. The frequency of this variant in the general population, 0.000031 (4/128870 chromosomes (Genome Aggregation Database)), is uninformative in the assessment of its pathogenicity. Analysis of this variant using bioinformatics tools for the prediction of the effect of amino acid changes on protein structure and function yielded predictions that this variant is damaging. Based on the available information, we are unable to determine the clinical significance of this variant.

Molecular Pathology, Peter Maccallum Cancer Centre
Classification: Uncertain significance for Pheochromocytoma/paraganglioma syndrome 5. Last evaluated: 2024-05-30. Review status: criteria provided, single submitter. Criteria: ACMG Guidelines, 2015. Collection method: clinical testing. Allele origin: germline. Inheritance: Autosomal dominant inheritance.

GeneDx
Classification: Uncertain significance. Last evaluated: 2024-05-07. Review status: criteria provided, single submitter. Criteria: GeneDx Variant Classification Process June 2021. Collection method: clinical testing. Allele origin: germline. Affected: yes.
Comment: Not observed at significant frequency in large population cohorts (gnomAD); In silico analysis supports that this missense variant has a deleterious effect on protein structure/function; Has not been previously published as pathogenic or benign to our knowledge

Baylor Genetics
Classification: Uncertain significance for Dilated cardiomyopathy 1GG. Last evaluated: 2024-03-05. Review status: criteria provided, single submitter. Criteria: ACMG Guidelines, 2015. Collection method: clinical testing. Allele origin: unknown.

Myriad Genetics, Inc.
Classification: Uncertain significance for Pheochromocytoma/paraganglioma syndrome 5. Last evaluated: 2023-04-21. Review status: criteria provided, single submitter. Criteria: Myriad Autosomal Dominant, Autosomal Recessive and X-Linked Classification Criteria (2023). Collection method: clinical testing. Allele origin: unknown.
Comment: This variant is classified as a variant of uncertain significance as there is insufficient evidence to determine its impact on protein function and/or cancer risk.

St. Jude Molecular Pathology, St. Jude Children's Research Hospital
Classification: Uncertain significance for B Lymphoblastic Leukemia/Lymphoma with Hypodiploidy. Last evaluated: 2017-07-10. Review status: criteria provided, single submitter. Criteria: ACMG Guidelines, 2015. Collection method: clinical testing. Allele origin: germline. Affected: yes.

Stanford Center for Inherited Cardiovascular Disease, Stanford University
Classification: Uncertain significance. Last evaluated: 2016-05-27. Review status: criteria provided, single submitter. Criteria: ACMG Guidelines, 2015. Collection method: provider interpretation. Allele origin: germline.

Counsyl
Classification: Uncertain significance for Pheochromocytoma/paraganglioma syndrome 5. Last evaluated: 2018-02-26. Review status: no assertion criteria provided. Collection method: clinical testing. Allele origin: unknown. Not counted in ClinVar's aggregate classification.

Literature cited by the submitters: PubMed 38473309 (cited by Labcorp Genetics (formerly Invitae), Labcorp and Quest Diagnostics Nichols Institute San Juan Capistrano); PubMed 39321216 (cited by Women's Health and Genetics/Laboratory Corporation of America, LabCorp); PubMed 39740200 (cited by Women's Health and Genetics/Laboratory Corporation of America, LabCorp); PubMed 28546994 (cited by Quest Diagnostics Nichols Institute San Juan Capistrano).